The following is an entry in ClinVar:

NM_000091.5(COL4A3):c.4226G>A (p.Gly1409Asp)

Genes: COL4A3 (collagen type IV alpha 3 chain; plus strand), MFF-DT (MFF divergent transcript; minus strand). Cytogenetic location: 2q36.3.
Variant type: single nucleotide variant.
Coding change: c.4226G>A on transcript NM_000091.5 (MANE Select); coding-DNA position 4226, G replaced by A.
Protein change: p.Gly1409Asp; replaces glycine 1409 with aspartic acid.
Molecular consequence: missense variant.
Genome position (GRCh38, 1-based): chr2:227,305,057, G>A. VCF-style: chr2-227305057-G-A. GRCh37 (hg19) VCF-style: chr2-228169773-G-A.
Other names: short protein forms G1409D.
Identifiers: ClinVar variation 2756081 (VCV002756081.3), dbSNP rs2469916594, ClinGen allele CA350863910.
Genomic context (GRCh38, chr2:227,305,057, plus strand): 5'-CAAGAGGTAAGCCAGGCAAGGATGGAAAACCAGGAACTCCTGGACCAGCTGGAGAAAAAG[G>A]CAACAAAGGTTCTAAAGGAGAGCCAGGTAAACCCCCAGCTTGTTTCCTCACCGAAGAAGT-3'
Protein context (NP_000082.2, residues 1399-1419): PGTPGPAGEK[Gly1409Asp]NKGSKGEPGP

ClinVar aggregate classification (germline): Uncertain significance (1 of 4 stars; one submission).

Submission:

Labcorp Genetics (formerly Invitae), Labcorp
Classification: Uncertain significance. Last evaluated: 2025-01-31. Review status: criteria provided, single submitter. Criteria: Invitae Variant Classification Sherloc (09022015). Collection method: clinical testing. Allele origin: germline.
Comment: This sequence change replaces glycine, which is neutral and non-polar, with aspartic acid, which is acidic and polar, at codon 1409 of the COL4A3 protein (p.Gly1409Asp). This variant is not present in population databases (gnomAD no frequency). This missense change has been observed in individual(s) with autosomal dominant Alport syndrome (PMID: 30348286). ClinVar contains an entry for this variant (Variation ID: 2756081). Invitae Evidence Modeling of protein sequence and biophysical properties (such as structural, functional, and spatial information, amino acid conservation, physicochemical variation, residue mobility, and thermodynamic stability) indicates that this missense variant is expected to disrupt COL4A3 protein function with a positive predictive value of 95%. In summary, the available evidence is currently insufficient to determine the role of this variant in disease. Therefore, it has been classified as a Variant of Uncertain Significance.

Literature cited by the submitters: PubMed 30348286.